The following is an entry in ClinVar:

NM_178452.6(DNAAF1):c.1484del (p.Pro495fs)

Gene: DNAAF1 (dynein axonemal assembly factor 1; plus strand). Cytogenetic location: 16q24.1.
Variant type: Deletion.
Coding change: c.1484del on transcript NM_178452.6 (MANE Select); coding-DNA position 1484, one base deleted (C; older notation c.1484delC).
Protein change: p.Pro495fs; shifts the reading frame from proline 495.
Molecular consequence: frameshift variant.
Genome position (GRCh38, 1-based): chr16:84,170,312, C deleted; the last of 3 consecutive C bases (chr16:84,170,310-84,170,312); deleting any one gives the same sequence. VCF-style (leftmost placement, unchanged base first): chr16-84170309-TC-T. GRCh37 (hg19) VCF-style: chr16-84203915-TC-T.
Other names: c.776del, p.Pro259fs (NM_001318756.1); short protein forms P495fs, P259fs.
Identifiers: ClinVar variation 966424 (VCV000966424.10), dbSNP rs2088261600, ClinGen allele CA1139664846.
Genomic context (GRCh38, chr16:84,170,309, plus strand): 5'-TACTGTCACCGCCTGTGAAGGTTAAAGGAGAGGATGGAGATCGAGAGCCAGAGGGGACCC[TC>T]CCAGCTGAGGCCCCACCACCACCGCCCCTGGGAGCTGCCAGGGAAGGTAATGTGAGCGGA-3'

ClinVar aggregate classification (germline): Pathogenic (1 of 4 stars; one submission).

Conditions:
Primary ciliary dyskinesia. Also called: Ciliary dyskinesia. Identifiers: Orphanet 244, MedGen C0008780, MONDO:0016575, HP:0012265.

Submission:

Labcorp Genetics (formerly Invitae), Labcorp
Classification: Pathogenic for Primary ciliary dyskinesia. Last evaluated: 2024-11-27. Review status: criteria provided, single submitter. Criteria: Invitae Variant Classification Sherloc (09022015). Collection method: clinical testing. Allele origin: germline.
Comment: This sequence change creates a premature translational stop signal (p.Pro495Glnfs*40) in the DNAAF1 gene. It is expected to result in an absent or disrupted protein product. Loss-of-function variants in DNAAF1 are known to be pathogenic (PMID: 19944400, 19944405). This variant is not present in population databases (gnomAD no frequency). This premature translational stop signal has been observed in individual(s) with primary ciliary dyskinesia (PMID: 24307375, 28991257, 29228333). In at least one individual the data is consistent with being in trans (on the opposite chromosome) from a pathogenic variant. It has also been observed to segregate with disease in related individuals. ClinVar contains an entry for this variant (Variation ID: 966424). For these reasons, this variant has been classified as Pathogenic.

Literature cited by the submitters: PubMed 19944400; PubMed 19944405; PubMed 24307375; PubMed 28991257; PubMed 29228333.